The following is an entry in ClinVar:

ClinVar aggregate classification (germline): Benign. Review status: criteria provided, multiple submitters, no conflicts (2 of 4 stars). 2 submissions from 2 submitters: Benign (2). Last evaluated 2018-06-16.

Allele frequency attached by ClinVar (database versions not stated): gnomAD exomes 0.00399 and 0.00996; ExAC 0.01174; gnomAD 0.03697 and 0.03948; ESP Exome Variant Server 0.03703; TOPMed 0.04131; 1000 Genomes Project 0.04353; 1000 Genomes Project 30x 0.04716.
gnomAD v4.1: 11,690 of 1,600,708 alleles (0.73%); highest among the groups gnomAD compares: African/African-American, 13%; 641 homozygotes.

Submissions (2):

GeneDx
Classification: Benign. Last evaluated: 2018-06-16. Review status: criteria provided, single submitter. Criteria: GeneDx Variant Classification (06012015). Collection method: clinical testing. Allele origin: germline. Affected: yes.
Comment: This variant is considered likely benign or benign based on one or more of the following criteria: it is a conservative change, it occurs at a poorly conserved position in the protein, it is predicted to be benign by multiple in silico algorithms, and/or has population frequency not consistent with disease.

Breakthrough Genomics
Classification: Benign. Review status: criteria provided, single submitter. Criteria: ACMG Guidelines, 2015. Collection method: not provided. Allele origin: germline. Inheritance: Autosomal recessive inheritance. Affected: yes.

NM_001244008.2(KIF1A):c.608+35C>T

Gene: KIF1A (kinesin family member 1A; minus strand). Cytogenetic location: 2q37.3.
Variant type: single nucleotide variant.
Coding change: c.608+35C>T on transcript NM_001244008.2 (MANE Select); 35 bases into the intron after coding-DNA position 608, C replaced by T.
Molecular consequence: intron variant.
Genome position (GRCh38, 1-based): chr2:240,786,300, G>A on the plus strand (C>T on the coding strand, the complement: KIF1A is on the minus strand). VCF-style: chr2-240786300-G-A. GRCh37 (hg19) VCF-style: chr2-241725717-G-A.
Other names: c.608+35C>T (NM_001379653.1, NM_001379650.1, NM_001379645.1 and 20 more transcripts).
Identifiers: ClinVar variation 675723 (VCV000675723.2), dbSNP rs13405424, ClinGen allele CA2208742.